The following is an entry in ClinVar:

ClinVar aggregate classification (germline): Uncertain significance. Review status: criteria provided, multiple submitters, no conflicts (2 of 4 stars). 3 submissions from 3 submitters: Uncertain significance (3). Last evaluated 2026-01-04.

Conditions:
Neutropenia, severe congenital, 2, autosomal dominant. Identifiers: Orphanet 486, MedGen C2751288, MONDO:0013139, OMIM 613107.
3-methylglutaconic aciduria, type VIIB (MGCA7B). Also called: 3-methylglutaconic aciduria, type VII, with cataracts, neurologic involvement and neutropenia; CLPB Deficiency; 3-methylglutaconic aciduria with cataracts, neurologic involvement and neutropenia. Identifiers: Orphanet 445038, MedGen C5676893, MONDO:0014561, OMIM 616271.

Allele frequency attached by ClinVar (database versions not stated): ExAC 0.00002; gnomAD 0.00003 and 0.00005; gnomAD exomes 0.00003 and 0.00007; TOPMed 0.00004.
gnomAD v4.1: 111 of 1,614,012 alleles (0.0069%); highest among the groups gnomAD compares: Middle Eastern, 0.066%; no homozygotes.

Submissions (3):

Labcorp Genetics (formerly Invitae), Labcorp
Classification: Uncertain significance for 3-methylglutaconic aciduria, type VIIB. Last evaluated: 2026-01-04. Review status: criteria provided, single submitter. Criteria: Invitae Variant Classification Sherloc (09022015). Collection method: clinical testing. Allele origin: germline.
Comment: This sequence change replaces arginine, which is basic and polar, with tryptophan, which is neutral and slightly polar, at codon 554 of the CLPB protein (p.Arg554Trp). This variant is present in population databases (rs200299650, gnomAD 0.006%). This variant has not been reported in the literature in individuals affected with CLPB-related conditions. ClinVar contains an entry for this variant (Variation ID: 642319). An algorithm developed to predict the effect of missense changes on protein structure and function (PolyPhen-2) suggests that this variant is likely to be disruptive. In summary, the available evidence is currently insufficient to determine the role of this variant in disease. Therefore, it has been classified as a Variant of Uncertain Significance.

CeGaT Center for Human Genetics Tuebingen
Classification: Uncertain significance. Last evaluated: 2024-03-01. Review status: criteria provided, single submitter. Criteria: CeGaT Center For Human Genetics Tuebingen Variant Classification Criteria Version 2. Collection method: clinical testing. Allele origin: germline. Affected: yes. Observed: 2 variant alleles.
Comment: CLPB: PM2

Institute of Human Genetics, University Hospital of Duesseldorf
Classification: Uncertain significance for Neutropenia, severe congenital, 2, autosomal dominant. Review status: criteria provided, single submitter. Criteria: ACMG Guidelines, 2015. Collection method: not provided. Allele origin: germline. Inheritance: Autosomal dominant inheritance. Affected: yes.

NM_001258392.3(CLPB):c.1570C>T (p.Arg524Trp)

Gene: CLPB (ClpB family mitochondrial disaggregase; minus strand). Cytogenetic location: 11q13.4.
Variant type: single nucleotide variant.
Coding change: c.1570C>T on transcript NM_001258392.3 (MANE Select); coding-DNA position 1570, C replaced by T.
Protein change: p.Arg524Trp; replaces arginine 524 with tryptophan.
Molecular consequence: missense variant.
Genome position (GRCh38, 1-based): chr11:72,294,435, G>A on the plus strand (C>T on the coding strand, the complement: CLPB is on the minus strand). VCF-style: chr11-72294435-G-A. GRCh37 (hg19) VCF-style: chr11-72005479-G-A.
Other names: c.1483C>T, p.Arg495Trp (NM_001258393.3); c.1525C>T, p.Arg509Trp (NM_001258394.3); c.1660C>T, p.Arg554Trp (NM_030813.6); short protein forms R524W, R509W, R554W, R495W.
Identifiers: ClinVar variation 642319 (VCV000642319.34), dbSNP rs200299650, ClinGen allele CA6171109.